The following is an entry in ClinVar:

ClinVar aggregate classification (germline): Conflicting classifications of pathogenicity. Review status: criteria provided, conflicting classifications (1 of 4 stars). 5 submissions from 5 submitters: Uncertain significance (1); Benign (2). 2 of the submissions do not count toward it. Last evaluated 2026-02-04.

Conditions:
Van Maldergem syndrome 1 (VMLDS1). Also called: Van Maldergem syndrome 1 (VMLDS1). Identifiers: Orphanet 314679, MedGen C4551950, MONDO:0011070, OMIM 601390.
Mitral valve prolapse, myxomatous 2. Also called: Mitral valve prolapse 2; MMVP2. Identifiers: MedGen C1843003, MONDO:0011915, OMIM 607829.

Submissions (5):

Labcorp Genetics (formerly Invitae), Labcorp
Classification: Benign. Last evaluated: 2026-02-04. Review status: criteria provided, single submitter. Criteria: Invitae Variant Classification Sherloc (09022015). Collection method: clinical testing. Allele origin: germline.

GeneDx
Classification: Benign. Last evaluated: 2023-03-30. Review status: criteria provided, single submitter. Criteria: GeneDx Variant Classification Process June 2021. Collection method: clinical testing. Allele origin: germline. Affected: yes.
Comment: See Variant Classification Assertion Criteria.

Juno Genomics, Hangzhou Juno Genomics, Inc
Classification: Uncertain significance for Mitral valve prolapse, myxomatous 2; Van Maldergem syndrome 1. Review status: criteria provided, single submitter. Criteria: ACMG Guidelines, 2015. Collection method: clinical testing. Allele origin: germline.
Comment: Absent from controls (or at extremely low frequency if recessive) in Genome Aggregation Database.;Protein length changes due to in-frame deletions/insertions in a non-repeat region or stop-loss variants.

Clinical Genetics, Academic Medical Center
Classification: Benign. Review status: no assertion criteria provided. Collection method: clinical testing. Allele origin: germline. Affected: yes. Study: VKGL Data-share Consensus. Not counted in ClinVar's aggregate classification.

Laboratory of Diagnostic Genome Analysis, Leiden University Medical Center (LUMC)
Classification: Likely benign. Review status: no assertion criteria provided. Collection method: clinical testing. Allele origin: germline. Affected: yes. Study: VKGL Data-share Consensus. Not counted in ClinVar's aggregate classification.

NM_003737.4(DCHS1):c.76CTG[9] (p.Leu33dup)

Gene: DCHS1 (dachsous cadherin-related 1; minus strand). Cytogenetic location: 11p15.4.
Variant type: Microsatellite.
Coding change: c.76CTG[9] on transcript NM_003737.4 (MANE Select); nine copies in a row of the 3-base unit CTG starting at c.76; the reference has eight copies in a row; one copy, 3 bases duplicated; also written c.97_99dup.
Protein change: p.Leu33dup; duplicates leucine 33.
Molecular consequence: inframe insertion.
Genome position (GRCh38, 1-based): chr11:6,641,515-6,641,517, CAG duplicated on the plus strand (CTG on the coding strand, the reverse complement: DCHS1 is on the minus strand); duplicating any 3 consecutive bases within chr11:6,641,515-6,641,540 gives the same sequence; the position shown is the placement nearest the transcript's 3' end. VCF-style (leftmost placement, unchanged base first): chr11-6641514-C-CCAG. GRCh37 (hg19) VCF-style: chr11-6662745-C-CCAG.
Other names: c.97_99dup (NM_003737.4).
Identifiers: ClinVar variation 1205944 (VCV001205944.15), dbSNP rs72555381, ClinGen allele CA5861211.